The following is an entry in ClinVar:

NM_021076.4(NEFH):c.1511C>A (p.Pro504His)

Gene: NEFH (neurofilament heavy chain; plus strand). Cytogenetic location: 22q12.2.
Variant type: single nucleotide variant.
Coding change: c.1511C>A on transcript NM_021076.4 (MANE Select); coding-DNA position 1511, C replaced by A.
Protein change: p.Pro504His; replaces proline 504 with histidine.
Molecular consequence: missense variant.
Genome position (GRCh38, 1-based): chr22:29,489,151, C>A. VCF-style: chr22-29489151-C-A. GRCh37 (hg19) VCF-style: chr22-29885140-C-A.
Other names: short protein forms P504H.
Identifiers: ClinVar variation 3356504 (VCV003356504.1).
Genomic context (GRCh38, chr22:29,489,151, plus strand): 5'-AGGAGGAAGAAGGGGGTGAAGAAGAGGAGGCAGAAGGGGGAGAAGAAGAAACAAAGTCTC[C>A]CCCAGCAGAAGAGGCTGCATCCCCAGAGAAGGAAGCCAAGTCACCAGTAAAGGAAGAGGC-3'
Protein context (NP_066554.2, residues 494-514): AEGGEEETKS[Pro504His]PAEEAASPEK

ClinVar aggregate classification (germline): Uncertain significance (0 of 4 stars; one submission).

Conditions:
NEFH-related disorder. Also called: NEFH-related condition.

Submission:

PreventionGenetics, part of Exact Sciences
Classification: Uncertain significance for NEFH-related condition. Last evaluated: 2024-05-02. Review status: no assertion criteria provided. Collection method: clinical testing. Allele origin: germline.
Comment: The NEFH c.1511C>A variant is predicted to result in the amino acid substitution p.Pro504His. To our knowledge, this variant has not been reported in the literature or in a large population database, indicating this variant is rare. At this time, the clinical significance of this variant is uncertain due to the absence of conclusive functional and genetic evidence.